The following is an entry in ClinVar:

ClinVar aggregate classification (germline): Uncertain significance (1 of 4 stars; one submission).

Submission:

CeGaT Center for Human Genetics Tuebingen
Classification: Uncertain significance. Last evaluated: 2026-03-01. Review status: criteria provided, single submitter. Criteria: CeGaT Center For Human Genetics Tuebingen Variant Classification Criteria Version 2. Collection method: clinical testing. Allele origin: germline. Affected: yes. Observed: 1 variant allele.
Comment: SLFN14: PM2

NM_001129820.2(SLFN14):c.1750C>T (p.Gln584Ter)

Gene: SLFN14 (schlafen family member 14; minus strand). Cytogenetic location: 17q12.
Variant type: single nucleotide variant.
Coding change: c.1750C>T on transcript NM_001129820.2 (MANE Select); coding-DNA position 1750, C replaced by T.
Protein change: p.Gln584Ter; replaces glutamine 584 with a stop codon.
Molecular consequence: nonsense.
Genome position (GRCh38, 1-based): chr17:35,552,884, G>A on the plus strand (C>T on the coding strand, the complement: SLFN14 is on the minus strand). VCF-style: chr17-35552884-G-A. GRCh37 (hg19) VCF-style: chr17-33879903-G-A.
Other names: short protein forms Q584*.
Identifiers: ClinVar variation 4823606 (VCV004823606.4).